The following is an entry in ClinVar:

NM_182943.3(PLOD2):c.587C>T (p.Thr196Ile)

Gene: PLOD2 (procollagen-lysine,2-oxoglutarate 5-dioxygenase 2; minus strand). Cytogenetic location: 3q24.
Variant type: single nucleotide variant.
Coding change: c.587C>T on transcript NM_182943.3 (MANE Select); coding-DNA position 587, C replaced by T.
Protein change: p.Thr196Ile; replaces threonine 196 with isoleucine.
Molecular consequence: missense variant.
Genome position (GRCh38, 1-based): chr3:146,106,560, G>A on the plus strand (C>T on the coding strand, the complement: PLOD2 is on the minus strand). VCF-style: chr3-146106560-G-A. GRCh37 (hg19) VCF-style: chr3-145824347-G-A.
Other names: p.Thr196Ile; c.587C>T, p.Thr196Ile (NM_000935.3); c.587C>T (NM_182943.2); short protein forms T196I.
Identifiers: ClinVar variation 493376 (VCV000493376.58), dbSNP rs148118826, ClinGen allele CA2655196.
Genomic context (GRCh38, chr3:146,106,560, plus strand): 5'-AATAAAACAAAAAAATTGCAGCTGTTACACACCCTTTTCAGTGGATCAATGTAAACTTTA[G>A]TGTAAAAGAGCTGATCATCATCATTATCCTGGAGATTCCATTGTTGAACTATACGGTTGA-3'
Protein context (NP_891988.1, residues 186-206): QDNDDDQLFY[Thr196Ile]KVYIDPLKRE

ClinVar aggregate classification (germline): Conflicting classifications of pathogenicity. Review status: criteria provided, conflicting classifications (1 of 4 stars). 9 submissions from 9 submitters: Uncertain significance (7); Likely benign (1). 1 of the submissions does not count toward it. Last evaluated 2026-05-12.

Conditions:
PLOD2-related disorder. Also called: PLOD2-related condition.
Osteogenesis imperfecta (OI). Identifiers: Orphanet 666, MedGen C0029434, MeSH D010013, MONDO:0019019.
Bruck syndrome 2 (BRKS2). Also called: OSTEOGENESIS IMPERFECTA WITH CONGENITAL JOINT CONTRACTURES. Identifiers: Orphanet 2771, MedGen C1836602, MONDO:0012217, OMIM 609220.

Allele frequency attached by ClinVar (database versions not stated): ExAC 0.00078; TOPMed 0.00082; gnomAD exomes 0.00088 and 0.00138; gnomAD 0.00091 and 0.00096; ESP Exome Variant Server 0.00138.
gnomAD v4.1: 2,043 of 1,569,684 alleles (0.13%); highest among the groups gnomAD compares: Non-Finnish European, 0.17%; no homozygotes.

Submissions (9):

Women's Health and Genetics/Laboratory Corporation of America, LabCorp
Classification: Uncertain significance. Last evaluated: 2026-05-12. Review status: criteria provided, single submitter. Criteria: LabCorp Variant Classification Summary - May 2015. Collection method: clinical testing. Allele origin: germline.
Comment: Variant summary: PLOD2 c.587C>T (p.Thr196Ile) results in a non-conservative amino acid change in the encoded protein sequence. Algorithms developed to predict the effect of missense changes on protein structure and function are either unavailable or do not agree on the potential impact of this missense change. The variant allele was found at a frequency of 0.00088 in 251244 control chromosomes (gnomAD). This frequency is not significantly higher than estimated for disease-causing variants in PLOD2, allowing no conclusion about variant significance. c.587C>T has been reported in the literature in at least one individual affected with an atypical femur fracture (e.g. Zhou_2023, Michou_2026). This report does not provide unequivocal conclusions about association of the variant with Osteogenesis Imperfecta. To our knowledge, no experimental evidence demonstrating an impact on protein function has been reported. The following publications have been ascertained in the context of this evaluation (PMID: 41135865, 37076969). ClinVar contains an entry for this variant (Variation ID: 493376). Based on the evidence outlined above, the variant was classified as uncertain significance.

Mayo Clinic Laboratories, Mayo Clinic
Classification: Uncertain significance. Last evaluated: 2025-06-09. Review status: criteria provided, single submitter. Criteria: ACMG Guidelines, 2015. Collection method: clinical testing. Allele origin: germline. Observed: 1 variant allele.
Comment: PM2_supporting

GeneDx
Classification: Uncertain significance. Last evaluated: 2024-12-26. Review status: criteria provided, single submitter. Criteria: GeneDx Variant Classification Process June 2021. Collection method: clinical testing. Allele origin: germline. Affected: yes.
Comment: Reported in heterozygous state as a variant of uncertain significance in an individual from a cohort of patients with atypical femur fractures (PMID: 37076969); In silico analysis supports that this missense variant has a deleterious effect on protein structure/function; This variant is associated with the following publications: (PMID: 37076969)

Blueprint Genetics
Classification: Likely benign. Last evaluated: 2024-11-25. Review status: criteria provided, single submitter. Criteria: ACMG Guidelines, 2015. Collection method: clinical testing. Allele origin: germline.

Labcorp Genetics (formerly Invitae), Labcorp
Classification: Uncertain significance. Last evaluated: 2022-08-23. Review status: criteria provided, single submitter. Criteria: Invitae Variant Classification Sherloc (09022015). Collection method: clinical testing. Allele origin: germline.
Comment: This sequence change replaces threonine, which is neutral and polar, with isoleucine, which is neutral and non-polar, at codon 196 of the PLOD2 protein (p.Thr196Ile). This variant is present in population databases (rs148118826, gnomAD 0.2%), and has an allele count higher than expected for a pathogenic variant. This variant has not been reported in the literature in individuals affected with PLOD2-related conditions. ClinVar contains an entry for this variant (Variation ID: 493376). Algorithms developed to predict the effect of missense changes on protein structure and function (SIFT, PolyPhen-2, Align-GVGD) all suggest that this variant is likely to be disruptive. In summary, the available evidence is currently insufficient to determine the role of this variant in disease. Therefore, it has been classified as a Variant of Uncertain Significance.

CeGaT Center for Human Genetics Tuebingen
Classification: Uncertain significance. Last evaluated: 2019-07-01. Review status: criteria provided, single submitter. Criteria: CeGaT Center For Human Genetics Tuebingen Variant Classification Criteria Version 2. Collection method: clinical testing. Allele origin: germline. Affected: yes. Observed: 2 variant alleles.

Genome Diagnostics Laboratory, The Hospital for Sick Children
Classification: Uncertain significance for Osteogenesis imperfecta. Last evaluated: 2018-11-01. Review status: criteria provided, single submitter. Criteria: ACMG Guidelines, 2015. Collection method: clinical testing. Allele origin: germline.

Illumina Laboratory Services, Illumina
Classification: Uncertain significance for Bruck syndrome 2. Last evaluated: 2017-04-27. Review status: criteria provided, single submitter. Criteria: ICSL Variant Classification Criteria 13 December 2019. Collection method: clinical testing. Allele origin: germline.

PreventionGenetics, part of Exact Sciences
Classification: Likely benign for PLOD2-related condition. Last evaluated: 2022-09-20. Review status: no assertion criteria provided. Collection method: clinical testing. Allele origin: germline. Not counted in ClinVar's aggregate classification.
Comment: This variant is classified as likely benign based on ACMG/AMP sequence variant interpretation guidelines (Richards et al. 2015 PMID: 25741868, with internal and published modifications).

Literature cited by the submitters: PubMed 37076969 (cited by Women's Health and Genetics/Laboratory Corporation of America, LabCorp and Mayo Clinic Laboratories, Mayo Clinic); PubMed 41135865 (cited by Women's Health and Genetics/Laboratory Corporation of America, LabCorp).